The following is an entry in ClinVar:

ClinVar aggregate classification (germline): Uncertain significance (1 of 4 stars; one submission).

Conditions:
EP300-related disorder. Also called: EP300-related condition; EP300-related disorders.

Submission:

PreventionGenetics, part of Exact Sciences
Classification: Uncertain significance for EP300-related condition. Last evaluated: 2025-07-16. Review status: criteria provided, single submitter. Criteria: ACMG Guidelines, 2015. Collection method: clinical testing. Allele origin: germline.
Comment: The EP300 c.868G>A variant is predicted to result in the amino acid substitution p.Asp290Asn. To our knowledge, this variant has not been reported in the literature or in a large population database (gnomAD), indicating this variant is rare. At this time, the clinical significance of this variant is uncertain due to the absence of conclusive functional and genetic evidence.

NM_001429.4(EP300):c.868G>A (p.Asp290Asn)

Gene: EP300 (EP300 lysine acetyltransferase; plus strand). Cytogenetic location: 22q13.2.
Variant type: single nucleotide variant.
Coding change: c.868G>A on transcript NM_001429.4 (MANE Select); coding-DNA position 868, G replaced by A.
Protein change: p.Asp290Asn; replaces aspartic acid 290 with asparagine.
Molecular consequence: missense variant.
Genome position (GRCh38, 1-based): chr22:41,126,002, G>A. VCF-style: chr22-41126002-G-A. GRCh37 (hg19) VCF-style: chr22-41522006-G-A.
Other names: c.868G>A, p.Asp290Asn (NM_001362843.2); short protein forms D290N.
Identifiers: ClinVar variation 4999897 (VCV004999897.1).